The following is an entry in ClinVar:

ClinVar aggregate classification (germline): Uncertain significance (1 of 4 stars; one submission).

Conditions:
Cardiovascular phenotype. Identifiers: MedGen CN230736.

Submission:

Ambry Genetics
Classification: Uncertain significance for Cardiovascular phenotype. Last evaluated: 2025-12-07. Review status: criteria provided, single submitter. Criteria: Ambry Variant Classification Scheme 2023. Collection method: clinical testing. Allele origin: germline.
Comment: The p.V879G variant (also known as c.2636T>G), located in coding exon 16 of the CBL gene, results from a T to G substitution at nucleotide position 2636. The valine at codon 879 is replaced by glycine, an amino acid with dissimilar properties. This amino acid position is conserved. In addition, this alteration is predicted to be tolerated by in silico analysis. Based on the available evidence, the clinical significance of this variant remains unclear.

NM_005188.4(CBL):c.2636T>G (p.Val879Gly)

Gene: CBL (Cbl proto-oncogene; plus strand). Cytogenetic location: 11q23.3.
Variant type: single nucleotide variant.
Coding change: c.2636T>G on transcript NM_005188.4 (MANE Select); coding-DNA position 2636, T replaced by G.
Protein change: p.Val879Gly; replaces valine 879 with glycine.
Molecular consequence: missense variant.
Genome position (GRCh38, 1-based): chr11:119,299,696, T>G. VCF-style: chr11-119299696-T-G. GRCh37 (hg19) VCF-style: chr11-119170406-T-G.
Other names: short protein forms V879G.
Identifiers: ClinVar variation 4613894 (VCV004613894.1).